The following is an entry in ClinVar:

ClinVar aggregate classification (germline): Likely benign (1 of 4 stars; one submission).

gnomAD v4.1: 148 of 1,609,992 alleles (0.0092%); highest among the groups gnomAD compares: Admixed American, 0.16%; 4 homozygotes.

Submission:

Women's Health and Genetics/Laboratory Corporation of America, LabCorp
Classification: Likely benign. Last evaluated: 2026-04-09. Review status: criteria provided, single submitter. Criteria: LabCorp Variant Classification Summary - May 2015. Collection method: clinical testing. Allele origin: germline.
Comment: Variant summary: CFHR4 c.242C>T (p.Thr81Met) results in a non-conservative amino acid change in the encoded protein sequence. Algorithms developed to predict the effect of missense changes on protein structure and function are either unavailable or do not agree on the potential impact of this missense change. The variant allele was found at a frequency of 0.00037 in 249710 control chromosomes, predominantly at a frequency of 0.0019 within the Latino subpopulation in the gnomAD database. The observed variant frequency within Latino control individuals in the gnomAD database exceeds the estimated maximal expected allele frequency for disease-causing variants in CFHR4. To our knowledge, no occurrence of c.242C>T in individuals affected with CFHR4-related conditions and no experimental evidence demonstrating its impact on protein function have been reported. No submitters have cited clinical-significance assessments for this variant to ClinVar. Based on the evidence outlined above, the variant was classified as likely benign.

NM_001201550.3(CFHR4):c.242C>T (p.Thr81Met)

Gene: CFHR4 (complement factor H related 4; plus strand). Cytogenetic location: 1q31.3.
Variant type: single nucleotide variant.
Coding change: c.242C>T on transcript NM_001201550.3 (MANE Select); coding-DNA position 242, C replaced by T.
Protein change: p.Thr81Met; replaces threonine 81 with methionine.
Molecular consequence: missense variant.
Genome position (GRCh38, 1-based): chr1:196,902,601, C>T. VCF-style: chr1-196902601-C-T. GRCh37 (hg19) VCF-style: chr1-196871731-C-T.
Other names: c.239C>T, p.Thr80Met (NM_001201551.2); c.242C>T, p.Thr81Met (NM_006684.5); short protein forms T80M, T81M.
Identifiers: ClinVar variation 4848704 (VCV004848704.1).